The following is an entry in ClinVar:

ClinVar aggregate classification (germline): Conflicting classifications of pathogenicity. Review status: criteria provided, conflicting classifications (1 of 4 stars). 3 submissions from 3 submitters: Uncertain significance (2); Likely benign (1). Last evaluated 2026-09-07.

Conditions:
Hereditary cancer-predisposing syndrome. Also called: Tumor predisposition; Neoplastic Syndromes, Hereditary; Hereditary Cancer Syndrome; Hereditary neoplastic syndrome. Identifiers: Orphanet 140162, MedGen C0027672, MeSH D009386, MONDO:0015356.
Hereditary breast ovarian cancer syndrome. Also called: Hereditary breast and ovarian cancer; Hereditary breast and ovarian cancer syndrome (HBOC); Breast and ovarian cancer; BRCA1- and BRCA2-Associated Hereditary Breast and Ovarian Cancer; Hereditary breast and ovarian cancer syndrome; Hereditary breast and/or ovarian cancer syndrome. Identifiers: Orphanet 145, MedGen C0677776, MeSH D061325, MONDO:0003582. Disease mechanism: loss of function.

Submissions (3):

Ambry Genetics
Classification: Uncertain significance for Hereditary cancer-predisposing syndrome. Last evaluated: 2026-09-07. Review status: criteria provided, single submitter. Criteria: Ambry Variant Classification Scheme 2023. Collection method: clinical testing. Allele origin: germline.
Comment: The p.E1276Q variant (also known as c.3826G>C), located in coding exon 10 of the BRCA2 gene, results from a G to C substitution at nucleotide position 3826. The glutamic acid at codon 1276 is replaced by glutamine, an amino acid with highly similar properties. This amino acid position is conserved. In addition, this alteration is predicted to be tolerated by in silico analysis. Based on the available evidence, the clinical significance of this variant remains unclear.

Labcorp Genetics (formerly Invitae), Labcorp
Classification: Uncertain significance for Hereditary breast ovarian cancer syndrome. Last evaluated: 2024-04-03. Review status: criteria provided, single submitter. Criteria: Invitae Variant Classification Sherloc (09022015). Collection method: clinical testing. Allele origin: germline.
Comment: This sequence change replaces glutamic acid, which is acidic and polar, with glutamine, which is neutral and polar, at codon 1276 of the BRCA2 protein (p.Glu1276Gln). This variant is not present in population databases (gnomAD no frequency). This variant has not been reported in the literature in individuals affected with BRCA2-related conditions. ClinVar contains an entry for this variant (Variation ID: 236857). Advanced modeling of protein sequence and biophysical properties (such as structural, functional, and spatial information, amino acid conservation, physicochemical variation, residue mobility, and thermodynamic stability) performed at Invitae indicates that this missense variant is not expected to disrupt BRCA2 protein function with a negative predictive value of 95%. In summary, the available evidence is currently insufficient to determine the role of this variant in disease. Therefore, it has been classified as a Variant of Uncertain Significance.

University of Washington Department of Laboratory Medicine, University of Washington
Classification: Likely benign for Hereditary cancer-predisposing syndrome. Last evaluated: 2023-03-23. Review status: criteria provided, single submitter. Criteria: Dines et al. (Genet Med. 2020). Collection method: curation. Allele origin: germline.
Comment: Missense variant in a coldspot region where missense variants are very unlikely to be pathogenic (PMID:31911673).

BRCA2 exon 11 coldspot. Reclassification based on statistical prior probability.

NM_000059.4(BRCA2):c.3826G>C (p.Glu1276Gln)

Gene: BRCA2 (BRCA2 DNA repair associated; plus strand). Cytogenetic location: 13q13.1.
Variant type: single nucleotide variant.
Coding change: c.3826G>C on transcript NM_000059.4 (MANE Select); coding-DNA position 3826, G replaced by C.
Protein change: p.Glu1276Gln; replaces glutamic acid 1276 with glutamine.
Molecular consequence: missense variant.
Genome position (GRCh38, 1-based): chr13:32,338,181, G>C. VCF-style: chr13-32338181-G-C. GRCh37 (hg19) VCF-style: chr13-32912318-G-C.
Other names: short protein forms E1276Q.
Identifiers: ClinVar variation 236857 (VCV000236857.9), dbSNP rs878853575, ClinGen allele CA10583095.